The following is an entry in ClinVar:

ClinVar aggregate classification (germline): Uncertain significance (1 of 4 stars; one submission).

Conditions:
Hereditary breast ovarian cancer syndrome. Also called: Hereditary breast and/or ovarian cancer syndrome; Hereditary breast and ovarian cancer syndrome; Hereditary breast and ovarian cancer syndrome (HBOC); Breast and ovarian cancer; Hereditary breast and ovarian cancer; BRCA1- and BRCA2-Associated Hereditary Breast and Ovarian Cancer. Identifiers: Orphanet 145, MedGen C0677776, MeSH D061325, MONDO:0003582. Disease mechanism: loss of function.

Submission:

Labcorp Genetics (formerly Invitae), Labcorp
Classification: Uncertain significance for Hereditary breast ovarian cancer syndrome. Last evaluated: 2025-10-07. Review status: criteria provided, single submitter. Criteria: Invitae Variant Classification Sherloc (09022015). Collection method: clinical testing. Allele origin: germline.
Comment: This sequence change replaces lysine, which is basic and polar, with asparagine, which is neutral and polar, at codon 2909 of the BRCA2 protein (p.Lys2909Asn). This variant is not present in population databases (gnomAD no frequency). This variant has not been reported in the literature in individuals affected with BRCA2-related conditions. ClinVar contains an entry for this variant (Variation ID: 1046472). Invitae Evidence Modeling of protein sequence and biophysical properties (such as structural, functional, and spatial information, amino acid conservation, physicochemical variation, residue mobility, and thermodynamic stability) indicates that this missense variant is not expected to disrupt BRCA2 protein function with a negative predictive value of 95%. In summary, the available evidence is currently insufficient to determine the role of this variant in disease. Therefore, it has been classified as a Variant of Uncertain Significance.

NM_000059.4(BRCA2):c.8727G>C (p.Lys2909Asn)

Gene: BRCA2 (BRCA2 DNA repair associated; plus strand). Cytogenetic location: 13q13.1.
Variant type: single nucleotide variant.
Coding change: c.8727G>C on transcript NM_000059.4 (MANE Select); coding-DNA position 8727, G replaced by C.
Protein change: p.Lys2909Asn; replaces lysine 2909 with asparagine.
Molecular consequence: missense variant.
Genome position (GRCh38, 1-based): chr13:32,376,764, G>C. VCF-style: chr13-32376764-G-C. GRCh37 (hg19) VCF-style: chr13-32950901-G-C.
Other names: short protein forms K2909N.
Identifiers: ClinVar variation 1046472 (VCV001046472.11), dbSNP rs1593934973, ClinGen allele CA387754981.
Genomic context (GRCh38, chr13:32,376,764, plus strand): 5'-ACTAACAAGACAGCAAGTTCGTGCTTTGCAAGATGGTGCAGAGCTTTATGAAGCAGTGAA[G>C]AATGCAGCAGACCCAGCTTACCTTGAGGTGAGAGAGTAAGAGGACATATAATGAGGCTTG-3'
Protein context (NP_000050.3, residues 2899-2919): QDGAELYEAV[Lys2909Asn]NAADPAYLEG